The following is an entry in ClinVar:

NM_001079872.2(CUL4B):c.869dup (p.Leu290fs)

Gene: CUL4B (cullin 4B; minus strand). Cytogenetic location: Xq24.
Variant type: Duplication.
Coding change: c.869dup on transcript NM_001079872.2 (MANE Select); coding-DNA position 869, one base duplicated (T; older notation c.869dupT).
Protein change: p.Leu290fs; shifts the reading frame from leucine 290.
Molecular consequence: frameshift variant.
Genome position (GRCh38, 1-based): chrX:120,545,495, A duplicated on the plus strand (T on the coding strand, the reverse complement: CUL4B is on the minus strand); the first of 7 consecutive A bases (chrX:120,545,495-120,545,501); duplicating any one gives the same sequence. VCF-style (leftmost placement, unchanged base first): chrX-120545494-C-CA. GRCh37 (hg19) VCF-style: chrX-119679349-C-CA.
Other names: c.923dupT (NM_003588.3); c.884dup, p.Leu295fs (NM_001330624.2); c.335dup, p.Leu112fs (NM_001369145.1); c.923dup, p.Leu308fs (NM_003588.4); short protein forms L308fs, L290fs, L112fs, L295fs.
Identifiers: ClinVar variation 432812 (VCV000432812.2), dbSNP rs1556216330, ClinGen allele CA644089213.
Genomic context (GRCh38, chrX:120,545,494, plus strand): 5'-GCATCCTTACCAAATGGAGGGTAGCATTGAATTCTGAAGAACGTAAGTTCTATCCAGAAA[C>CA]AAAAAAATGCTCCTGATCATGATCTGCCAATGAAAAAAAAAGAAATCAAACAAGTTTTGT-3'

ClinVar aggregate classification (germline): Pathogenic (1 of 4 stars; one submission).

Submission:

GeneDx
Classification: Pathogenic. Last evaluated: 2017-06-09. Review status: criteria provided, single submitter. Criteria: GeneDx Variant Classification (06012015). Collection method: clinical testing. Allele origin: germline. Affected: yes.
Comment: The c.923dupT variant in the CUL4B gene has not been reported previously as a pathogenic variant nor as a benign variant, to our knowledge. The c.923dupT variant causes a frameshift starting with codon Leucine 308, changes this amino acid to a Phenylalanine residue, and creates a premature Stop codon at position 5 of the new reading frame, denoted p.Leu308PhefsX5. This variant is predicted to cause loss of normal protein function either through protein truncation or nonsense-mediated mRNA decay. The c.923dupT variant is not observed in large population cohorts (Lek et al., 2016; 1000 Genomes Consortium et al., 2015; Exome Variant Server).